The following is an entry in ClinVar:

ClinVar aggregate classification (germline): Uncertain significance (1 of 4 stars; one submission).

Conditions:
Familial cancer of breast. Also called: hereditary breast carcinoma; Hereditary breast cancer; BREAST CANCER, FAMILIAL. Identifiers: Orphanet 227535, MedGen C0346153, MONDO:0016419, OMIM 114480. Disease mechanism: loss of function.

Allele frequency attached by ClinVar (database versions not stated): gnomAD exomes below 0.00001.
gnomAD v4.1: 2 of 1,613,626 alleles (0.00012%); highest among the groups gnomAD compares: Non-Finnish European, 0.00017%; no homozygotes.

Submission:

Labcorp Genetics (formerly Invitae), Labcorp
Classification: Uncertain significance for Familial cancer of breast. Last evaluated: 2024-05-06. Review status: criteria provided, single submitter. Criteria: Invitae Variant Classification Sherloc (09022015). Collection method: clinical testing. Allele origin: germline.
Comment: This sequence change replaces leucine, which is neutral and non-polar, with serine, which is neutral and polar, at codon 448 of the BARD1 protein (p.Leu448Ser). This variant is not present in population databases (gnomAD no frequency). This variant has not been reported in the literature in individuals affected with BARD1-related conditions. ClinVar contains an entry for this variant (Variation ID: 1039232). An algorithm developed to predict the effect of missense changes on protein structure and function (PolyPhen-2) suggests that this variant is likely to be disruptive. In summary, the available evidence is currently insufficient to determine the role of this variant in disease. Therefore, it has been classified as a Variant of Uncertain Significance.

NM_000465.4(BARD1):c.1343T>C (p.Leu448Ser)

Gene: BARD1 (BRCA1 associated RING domain 1; minus strand). Cytogenetic location: 2q35.
Variant type: single nucleotide variant.
Coding change: c.1343T>C on transcript NM_000465.4 (MANE Select); coding-DNA position 1343, T replaced by C.
Protein change: p.Leu448Ser; replaces leucine 448 with serine.
Molecular consequence: missense variant. On other transcripts: non-coding transcript variant (3), intron variant (3).
Genome position (GRCh38, 1-based): chr2:214,769,284, A>G on the plus strand (T>C on the coding strand, the complement: BARD1 is on the minus strand). VCF-style: chr2-214769284-A-G. GRCh37 (hg19) VCF-style: chr2-215634008-A-G.
Other names: c.1286T>C, p.Leu429Ser (NM_001282543.2); c.159-16729T>C (NM_001282548.2); c.216-16729T>C (NM_001282545.2); c.364+23013T>C (NM_001282549.2); short protein forms L448S, L429S.
Identifiers: ClinVar variation 1039232 (VCV001039232.9), dbSNP rs1694363292, ClinGen allele CA350450427.